The following is an entry in ClinVar:

ClinVar aggregate classification (germline): Uncertain significance (1 of 4 stars; one submission).

Conditions:
Neuropathy, hereditary sensory and autonomic, type 2A (HSAN2A). Also called: HSAN IIA; WNK1-Related HSAN2 (HSAN2A); ACROOSTEOLYSIS, GIACCAI TYPE; ACROOSTEOLYSIS, NEUROGENIC; MORVAN DISEASE; NEUROPATHY, CONGENITAL SENSORY. Identifiers: Orphanet 970, MedGen C2752089, MONDO:0024309, OMIM 201300.
Pseudohypoaldosteronism type 2C (PHA2C). Also called: Pseudohypoaldosteronism Type IIC. Identifiers: Orphanet 757, Orphanet 88940, MedGen C1840391, MONDO:0013778, OMIM 614492.

Submission:

Labcorp Genetics (formerly Invitae), Labcorp
Classification: Uncertain significance for Neuropathy, hereditary sensory and autonomic, type 2A; Pseudohypoaldosteronism type 2C. Last evaluated: 2023-07-24. Review status: criteria provided, single submitter. Criteria: Invitae Variant Classification Sherloc (09022015). Collection method: clinical testing. Allele origin: germline.
Comment: In summary, the available evidence is currently insufficient to determine the role of this variant in disease. Therefore, it has been classified as a Variant of Uncertain Significance. Advanced modeling of protein sequence and biophysical properties (such as structural, functional, and spatial information, amino acid conservation, physicochemical variation, residue mobility, and thermodynamic stability) performed at Invitae indicates that this missense variant is not expected to disrupt WNK1 protein function. This variant has not been reported in the literature in individuals affected with WNK1-related conditions. This variant is not present in population databases (gnomAD no frequency). This sequence change replaces glycine, which is neutral and non-polar, with glutamic acid, which is acidic and polar, at codon 1156 of the WNK1 protein (p.Gly1156Glu).

NM_213655.5(WNK1):c.3467G>A (p.Gly1156Glu)

Gene: WNK1 (WNK lysine deficient protein kinase 1; plus strand). Cytogenetic location: 12p13.33.
Variant type: single nucleotide variant.
Coding change: c.3467G>A on transcript NM_213655.5 (MANE Plus Clinical); coding-DNA position 3467, G replaced by A.
Protein change: p.Gly1156Glu; replaces glycine 1156 with glutamic acid.
Molecular consequence: missense variant. On other transcripts: intron variant (2).
Genome position (GRCh38, 1-based): chr12:868,938, G>A. VCF-style: chr12-868938-G-A. GRCh37 (hg19) VCF-style: chr12-978104-G-A.
Other names: c.3212G>A, p.Gly1071Glu (NM_001184985.2); c.2140-2327G>A (NM_018979.4, NM_014823.3); short protein forms G1156E, G1071E.
Identifiers: ClinVar variation 2950220 (VCV002950220.3), dbSNP rs2548805045, ClinGen allele CA383342165.
Genomic context (GRCh38, chr12:868,938, plus strand): 5'-GTGATTCCTCACAAATCACTTCTTCAGACCCCAGTGATTTTCAGTCACCTCCCCCTACAG[G>A]GGGAGCAGCTGCACCTTTTGGCTCTGACGTCTCAATGCCCTTTATCCATCTGCCTCAGAC-3'
Protein context (NP_998820.3, residues 1146-1166): PSDFQSPPPT[Gly1156Glu]GAAAPFGSDV